The following is an entry in ClinVar:

NM_000116.5(TAFAZZIN):c.584-1G>A

Gene: TAFAZZIN (tafazzin, phospholipid-lysophospholipid transacylase; plus strand). Cytogenetic location: Xq28.
Variant type: single nucleotide variant.
Coding change: c.584-1G>A on transcript NM_000116.5 (MANE Select); the canonical splice acceptor site of the intron before coding-DNA position 584, G replaced by A.
Molecular consequence: splice acceptor variant.
Genome position (GRCh38, 1-based): chrX:154,420,031, G>A. VCF-style: chrX-154420031-G-A. GRCh37 (hg19) VCF-style: chrX-153648370-G-A.
Other names: c.596-1G>A (NM_001303465.2); c.548-1G>A (NM_001410698.1); c.542-1G>A (NM_181312.4); c.494-1G>A (NM_181311.4); c.452-1G>A (NM_181313.4).
Identifiers: ClinVar variation 1953409 (VCV001953409.5), dbSNP rs2522990255, ClinGen allele CA415184048.

ClinVar aggregate classification (germline): Likely pathogenic (1 of 4 stars; one submission).

Conditions:
3-Methylglutaconic aciduria type 2 (BTHS). Also called: CARDIOSKELETAL MYOPATHY WITH NEUTROPENIA AND ABNORMAL MITOCHONDRIA; Barth syndrome. Identifiers: Orphanet 111, MedGen C0574083, MONDO:0010543, OMIM 302060.

Submission:

Labcorp Genetics (formerly Invitae), Labcorp
Classification: Likely pathogenic for 3-Methylglutaconic aciduria type 2. Last evaluated: 2022-06-10. Review status: criteria provided, single submitter. Criteria: Invitae Variant Classification Sherloc (09022015). Collection method: clinical testing. Allele origin: germline.
Comment: This variant has not been reported in the literature in individuals affected with TAZ-related conditions. In summary, the currently available evidence indicates that the variant is pathogenic, but additional data are needed to prove that conclusively. Therefore, this variant has been classified as Likely Pathogenic. Algorithms developed to predict the effect of sequence changes on RNA splicing suggest that this variant may disrupt the consensus splice site. This variant is not present in population databases (gnomAD no frequency). This sequence change affects an acceptor splice site in intron 7 of the TAZ gene. It is expected to disrupt RNA splicing. Variants that disrupt the donor or acceptor splice site typically lead to a loss of protein function (PMID: 16199547), and loss-of-function variants in TAZ are known to be pathogenic (PMID: 16427346, 22382802, 23409742).

Literature cited by the submitters: PubMed 16199547; PubMed 16427346; PubMed 22382802; PubMed 23409742.